The following is an entry in ClinVar:

ClinVar aggregate classification (germline): Benign/Likely benign. Review status: criteria provided, multiple submitters, no conflicts (2 of 4 stars). 2 submissions from 2 submitters: Benign (1); Likely benign (1). Last evaluated 2026-06-08.

Conditions:
Pheochromocytoma. Also called: MAX-Related Hereditary Paraganglioma-Pheochromocytoma Syndrome. Identifiers: Orphanet 29072, MedGen C0031511, MONDO:0008233, OMIM 171300, HP:0002666.
Hereditary pheochromocytoma and paraganglioma. Also called: Hereditary pheochromocytoma-paraganglioma; Hereditary paragangliomas and pheochromocytomas; Hereditary Paraganglioma-Pheochromocytoma Syndromes. Identifiers: Orphanet 29072, MedGen C4274332, MONDO:0017366.

Submissions (2):

Myriad Genetics, Inc.
Classification: Benign for Pheochromocytoma. Last evaluated: 2026-06-08. Review status: criteria provided, single submitter. Criteria: Myriad Autosomal Dominant, Autosomal Recessive and X-Linked Classification Criteria (2023). Collection method: clinical testing. Allele origin: unknown.
Comment: This variant is considered benign. This variant is a silent/synonymous amino acid change and it is not expected to impact splicing.

Labcorp Genetics (formerly Invitae), Labcorp
Classification: Likely benign for Hereditary pheochromocytoma and paraganglioma. Last evaluated: 2020-05-04. Review status: criteria provided, single submitter. Criteria: Invitae Variant Classification Sherloc (09022015). Collection method: clinical testing. Allele origin: germline.

NM_002382.5(MAX):c.291G>A (p.Gln97=)

Gene: MAX (MYC associated transcriptional regulator X; minus strand). Cytogenetic location: 14q23.3.
Variant type: single nucleotide variant.
Coding change: c.291G>A on transcript NM_002382.5 (MANE Select); coding-DNA position 291, G replaced by A.
Protein change: p.Gln97=; no amino-acid change (glutamine 97 retained).
Molecular consequence: synonymous variant. On other transcripts: missense variant (4), 5 prime UTR variant (2), non-coding transcript variant (7), intron variant (2).
Genome position (GRCh38, 1-based): chr14:65,077,917, C>T on the plus strand (G>A on the coding strand, the complement: MAX is on the minus strand). VCF-style: chr14-65077917-C-T. GRCh37 (hg19) VCF-style: chr14-65544635-C-T.
Other names: c.17G>A, p.Ser6Asn (NM_001320415.2, NM_001407105.1, NM_001407106.1 and 1 more transcripts); c.291G>A, p.Gln97= (NM_001407094.1, NM_001407096.1, NM_001407097.1 and 3 more transcripts); c.264G>A, p.Gln88= (NM_001407095.1, NM_001407099.1, NM_001407100.1 and 6 more transcripts); c.183G>A, p.Gln61= (NM_001407098.1); c.-77G>A (NM_001407111.1, NM_001407112.1); c.144+15791G>A (NM_001271069.2); c.171+15791G>A (NM_197957.4); short protein forms S6N.
Identifiers: ClinVar variation 1137539 (VCV001137539.11), dbSNP rs1046488730, ClinGen allele CA262718074.
Genomic context (GRCh38, chr14:65,077,917, plus strand): 5'-GCCTGACCTGGCTGGAGCACAGCAGGGCCAGCTGCCCCACGAGCTCGGGTGCTCACCTTG[C>T]TGCTCCAGAAGAGCATTCTGCCGCTTGAGGTCGTCAATATCTTGCTGGTGTGTGTGGTTT-3'
Protein context (NP_002373.3, residues 87-107): DLKRQNALLE[Gln97=]QVRALEKARS